The following is an entry in ClinVar:

ClinVar aggregate classification (germline): Likely benign. Review status: criteria provided, multiple submitters, no conflicts (2 of 4 stars). 2 submissions from 2 submitters: Likely benign (2). Last evaluated 2025-08-15.

Conditions:
Birt-Hogg-Dube syndrome 1 (BHD1). Also called: FIBROFOLLICULOMAS WITH TRICHODISCOMAS AND ACROCHORDONS. Identifiers: Orphanet 122, MedGen CN375946, MONDO:0800445, OMIM 135150.
Birt-Hogg-Dube syndrome. Also called: Birt Hogg Dubé syndrome. Identifiers: Orphanet 122, MedGen C0346010, MONDO:0800444.

gnomAD v4.1: 1 of 1,614,076 alleles (0.000062%); highest among the groups gnomAD compares: Admixed American, 0.0017%; no homozygotes.

Submissions (2):

Labcorp Genetics (formerly Invitae), Labcorp
Classification: Likely benign for Birt-Hogg-Dube syndrome. Last evaluated: 2025-08-15. Review status: criteria provided, single submitter. Criteria: Invitae Variant Classification Sherloc (09022015). Collection method: clinical testing. Allele origin: germline.

Myriad Genetics, Inc.
Classification: Likely benign for Birt-Hogg-Dube syndrome 1. Last evaluated: 2024-10-25. Review status: criteria provided, single submitter. Criteria: Myriad Autosomal Dominant, Autosomal Recessive and X-Linked Classification Criteria (2023). Collection method: clinical testing. Allele origin: unknown.
Comment: This variant is considered likely benign. This variant is intronic and is not expected to impact mRNA splicing.

NM_144997.7(FLCN):c.1432+8C>G

Gene: FLCN (folliculin; minus strand). Cytogenetic location: 17p11.2.
Variant type: single nucleotide variant.
Coding change: c.1432+8C>G on transcript NM_144997.7 (MANE Select); 8 bases into the intron after coding-DNA position 1432, C replaced by G.
Molecular consequence: intron variant.
Genome position (GRCh38, 1-based): chr17:17,215,177, G>C on the plus strand (C>G on the coding strand, the complement: FLCN is on the minus strand). VCF-style: chr17-17215177-G-C. GRCh37 (hg19) VCF-style: chr17-17118491-G-C.
Other names: c.1432+8C>G (NM_001353230.2, NM_001353231.2); c.1486+8C>G (NM_001353229.2).
Identifiers: ClinVar variation 3624765 (VCV003624765.3).